The following is an entry in ClinVar:

NM_000179.3(MSH6):c.137_154dup (p.Ser51_Glu52insGlyAspAlaAlaTrpSer)

Gene: MSH6 (mutS homolog 6; plus strand). Cytogenetic location: 2p16.3.
Variant type: Duplication.
Coding change: c.137_154dup on transcript NM_000179.3 (MANE Select); coding-DNA positions 137 to 154, 18 bases duplicated (GGGATGCGGCCTGGAGCG).
Protein change: p.Ser51_Glu52insGlyAspAlaAlaTrpSer.
Molecular consequence: 5 prime UTR variant (on NM_001281493.2). On other transcripts: non-coding transcript variant (5), intron variant (5), inframe indel (1).
Genome position (GRCh38, 1-based): chr2:47,783,370-47,783,387, GGGATGCGGCCTGGAGCG duplicated; duplicating any 18 consecutive bases within chr2:47,783,367-47,783,387 gives the same sequence; the c. name uses the placement nearest the transcript's 3' end. VCF-style (leftmost placement, unchanged base first): chr2-47783366-G-GGCGGGGATGCGGCCTGGA. GRCh37 (hg19) VCF-style: chr2-48010505-G-GGCGGGGATGCGGCCTGGA.
Other names: c.137_154dup, p.Ser51_Glu52insGlyAspAlaAlaTrpSer (NM_001281492.2, NM_001406795.1, NM_001406796.1 and 9 more transcripts); c.-600_-583dup (NM_001281493.2, NM_001406811.1); c.-192_-175dup (NM_001406799.1); c.82_99dup, p.Ala33_Arg34insGlyMetArgProGlyAla (NM_001406804.1); c.-792_-775dup (NM_001406807.1); c.-447_-430dup (NM_001406812.1); c.-858_-841dup (NM_001406814.1); c.-403_-386dup (NM_001406816.1); and 4 more.
Identifiers: ClinVar variation 5024924 (VCV005024924.1).

ClinVar aggregate classification (germline): Uncertain significance (1 of 4 stars; one submission).

Conditions:
Hereditary cancer-predisposing syndrome. Also called: Neoplastic Syndromes, Hereditary; Tumor predisposition; Hereditary neoplastic syndrome; Hereditary Cancer Syndrome. Identifiers: Orphanet 140162, MedGen C0027672, MeSH D009386, MONDO:0015356.

Submission:

Ambry Genetics
Classification: Uncertain significance for Hereditary cancer-predisposing syndrome. Last evaluated: 2026-08-11. Review status: criteria provided, single submitter. Criteria: Ambry Variant Classification Scheme 2023. Collection method: clinical testing. Allele origin: germline.
Comment: The c.137_154dup18 variant (also known as p.G46_S51dup), located in coding exon 1 of the MSH6 gene, results from an in-frame duplication of 18 nucleotides at nucleotide positions 137 to 154. This results in the duplication of 6 extra residues (GDAAWS) between codons 46 and 51. This amino acid region is well conserved in available vertebrate species. In addition, this variant is predicted to be neutral by in silico analysis (Choi Y et al. PLoS ONE. 2012; 7(10):e46688). Based on the available evidence, the clinical significance of this variant remains unclear.